The following is an entry in ClinVar:

NM_003998.4(NFKB1):c.904T>C (p.Ser302Pro)

Gene: NFKB1 (nuclear factor kappa B subunit 1; plus strand). Cytogenetic location: 4q24.
Variant type: single nucleotide variant.
Coding change: c.904T>C on transcript NM_003998.4 (MANE Select); coding-DNA position 904, T replaced by C.
Protein change: p.Ser302Pro; replaces serine 302 with proline.
Molecular consequence: missense variant.
Genome position (GRCh38, 1-based): chr4:102,582,934, T>C. VCF-style: chr4-102582934-T-C. GRCh37 (hg19) VCF-style: chr4-103504091-T-C.
Other names: c.901T>C, p.Ser301Pro (NM_001165412.2, NM_001319226.2, NM_001382627.1); c.904T>C, p.Ser302Pro (NM_001382625.1, NM_001382626.1); c.862T>C, p.Ser288Pro (NM_001382628.1); short protein forms S301P, S302P, S288P.
Identifiers: ClinVar variation 1383891 (VCV001383891.8), dbSNP rs2149190180, ClinGen allele CA357960694.

ClinVar aggregate classification (germline): Uncertain significance (1 of 4 stars; one submission).

Submission:

Labcorp Genetics (formerly Invitae), Labcorp
Classification: Uncertain significance. Last evaluated: 2020-10-26. Review status: criteria provided, single submitter. Criteria: Invitae Variant Classification Sherloc (09022015). Collection method: clinical testing. Allele origin: germline.
Comment: This sequence change replaces serine with proline at codon 302 of the NFKB1 protein (p.Ser302Pro). The serine residue is highly conserved and there is a moderate physicochemical difference between serine and proline. This variant is not present in population databases (ExAC no frequency). This variant has not been reported in the literature in individuals with NFKB1-related conditions. Algorithms developed to predict the effect of missense changes on protein structure and function are either unavailable or do not agree on the potential impact of this missense change (SIFT: "Deleterious"; PolyPhen-2: "Probably Damaging"; Align-GVGD: "Class C0"). In summary, the available evidence is currently insufficient to determine the role of this variant in disease. Therefore, it has been classified as a Variant of Uncertain Significance.